The following is an entry in ClinVar:

ClinVar aggregate classification (germline): Pathogenic (1 of 4 stars; one submission).

Conditions:
Familial dysautonomia. Also called: HSAN III; FD. Identifiers: Orphanet 1764, MedGen C0013364, MONDO:0009131, OMIM 223900. Disease mechanism: loss of function.

Submission:

Myriad Genetics, Inc.
Classification: Pathogenic for Familial dysautonomia. Last evaluated: 2025-12-30. Review status: criteria provided, single submitter. Criteria: Myriad Autosomal Dominant, Autosomal Recessive and X-Linked Classification Criteria (2023). Collection method: clinical testing. Allele origin: unknown.
Comment: NM_003640.3(ELP1):c.1229delC(P410Rfs*15) is expected to be pathogenic in the context of familial dysautonomia. This variant is predicted to lead to an abnormal or absent protein product due to the creation of a premature termination codon in ELP1, a gene where loss-of-function variants are known to be pathogenic. Please note: this variant was assessed in the context of healthy population screening.

NM_003640.5(ELP1):c.1229del (p.Pro410fs)

Gene: ELP1 (elongator acetyltransferase complex subunit 1; minus strand). Cytogenetic location: 9q31.3.
Variant type: Deletion.
Coding change: c.1229del on transcript NM_003640.5 (MANE Select); coding-DNA position 1229, one base deleted (C; older notation c.1229delC).
Protein change: p.Pro410fs; shifts the reading frame from proline 410.
Molecular consequence: frameshift variant.
Genome position (GRCh38, 1-based): chr9:108,911,141, G deleted on the plus strand (C on the coding strand, the reverse complement: ELP1 is on the minus strand); the first of 2 consecutive G bases (chr9:108,911,141-108,911,142); deleting either gives the same sequence. VCF-style (leftmost placement, unchanged base first): chr9-108911140-CG-C. GRCh37 (hg19) VCF-style: chr9-111673420-CG-C.
Other names: c.887del, p.Pro296fs (NM_001318360.2); c.182del, p.Pro61fs (NM_001330749.2); short protein forms P296fs, P410fs, P61fs.
Identifiers: ClinVar variation 5015377 (VCV005015377.1).